The following is an entry in ClinVar:

ClinVar aggregate classification (germline): Uncertain significance (1 of 4 stars; one submission).

gnomAD v4.1: 1 of 1,614,034 alleles (0.000062%); highest among the groups gnomAD compares: South Asian, 0.0011%; no homozygotes.

Submission:

Ambry Genetics
Classification: Uncertain significance. Last evaluated: 2026-08-16. Review status: criteria provided, single submitter. Criteria: Ambry Variant Classification Scheme 2023. Collection method: clinical testing. Allele origin: germline.
Comment: The p.E184K variant (also known as c.550G>A), located in coding exon 2 of the PALLD gene, results from a G to A substitution at nucleotide position 550. The glutamic acid at codon 184 is replaced by lysine, an amino acid with similar properties. This amino acid position is conserved. In addition, the in silico prediction for this alteration is inconclusive. Based on the available evidence, the clinical significance of this variant remains unclear.

NM_001166108.2(PALLD):c.2011G>A (p.Glu671Lys)

Gene: PALLD (palladin, cytoskeletal associated protein; plus strand). Cytogenetic location: 4q32.3.
Variant type: single nucleotide variant.
Coding change: c.2011G>A on transcript NM_001166108.2 (MANE Select); coding-DNA position 2011, G replaced by A.
Protein change: p.Glu671Lys; replaces glutamic acid 671 with lysine.
Molecular consequence: missense variant. On other transcripts: 5 prime UTR variant (4).
Genome position (GRCh38, 1-based): chr4:168,890,968, G>A. VCF-style: chr4-168890968-G-A. GRCh37 (hg19) VCF-style: chr4-169812119-G-A.
Other names: c.865G>A, p.Glu289Lys (NM_001166109.2); c.550G>A, p.Glu184Lys (NM_001166110.2); c.-111G>A (NM_001367567.1, NM_001367568.1, NM_001367569.1 and 1 more transcripts); c.2011G>A, p.Glu671Lys (NM_016081.4); short protein forms E289K, E184K, E671K.
Identifiers: ClinVar variation 5026244 (VCV005026244.1).